The following is an entry in ClinVar:

NM_001368894.2(PAX6):c.949A>G (p.Thr317Ala)

Gene: PAX6 (paired box 6; minus strand). Cytogenetic location: 11p13.
Variant type: single nucleotide variant.
Coding change: c.949A>G on transcript NM_001368894.2 (MANE Select); coding-DNA position 949, A replaced by G.
Protein change: p.Thr317Ala; replaces threonine 317 with alanine.
Molecular consequence: missense variant. On other transcripts: non-coding transcript variant (2).
Genome position (GRCh38, 1-based): chr11:31,793,661, T>C on the plus strand (A>G on the coding strand, the complement: PAX6 is on the minus strand). VCF-style: chr11-31793661-T-C. GRCh37 (hg19) VCF-style: chr11-31815209-T-C.
Other names: c.1150A>G, p.Thr384Ala (NM_001368910.2); c.952A>G, p.Thr318Ala (NM_001368911.2); c.949A>G, p.Thr317Ala (NM_001368912.2, NM_001368913.2, NM_001368914.2 and 6 more transcripts); c.907A>G, p.Thr303Ala (NM_001368915.2, NM_001368916.2, NM_001368917.2 and 10 more transcripts); c.1024A>G, p.Thr342Ala (NM_001368918.2, NM_001368919.2); c.499A>G, p.Thr167Ala (NM_001368902.2, NM_001368903.2, NM_001368904.2 and 11 more transcripts); c.982A>G, p.Thr328Ala (NM_001368920.2); c.748A>G, p.Thr250Ala (NM_001368921.2, NM_001368922.2, NM_001368923.2 and 4 more transcripts); and 2 more; short protein forms T167A, T318A, T384A, T250A, T317A, T236A, T342A, T102A.
Identifiers: ClinVar variation 1523458 (VCV001523458.8), dbSNP rs1326972158, ClinGen allele CA379956255.
Genomic context (GRCh38, chr11:31,793,661, plus strand): 5'-GAGCAAACAGGTTTAAAGACATTGATTCGTAGTATTAGTATTTCAAATTACCCGGTGTGG[T>C]GGGTTGTGGAATTGGTTGGTAGACACTGGTGCTGAAACTACTGCTGATAGGAATATGACT-3'
Protein context (NP_001355823.1, residues 307-327): TSVYQPIPQP[Thr317Ala]TPVSSFTSGS

ClinVar aggregate classification (germline): Uncertain significance (1 of 4 stars; one submission).

Conditions:
Irido-corneo-trabecular dysgenesis (ASGD5). Also called: ANTERIOR SEGMENT DYSGENESIS 5. Identifiers: Orphanet 708, MedGen C0344559, MONDO:0011414, OMIM 604229, HP:0000659.
Aniridia 1 (AN1). Identifiers: Orphanet 250923, MedGen C0344542, MONDO:0024507, OMIM 106210.

Submission:

Labcorp Genetics (formerly Invitae), Labcorp
Classification: Uncertain significance for Aniridia 1; Irido-corneo-trabecular dysgenesis. Last evaluated: 2022-02-02. Review status: criteria provided, single submitter. Criteria: Invitae Variant Classification Sherloc (09022015). Collection method: clinical testing. Allele origin: germline.
Comment: Advanced modeling of protein sequence and biophysical properties (such as structural, functional, and spatial information, amino acid conservation, physicochemical variation, residue mobility, and thermodynamic stability) performed at Invitae indicates that this missense variant is not expected to disrupt PAX6 protein function. In summary, the available evidence is currently insufficient to determine the role of this variant in disease. Therefore, it has been classified as a Variant of Uncertain Significance. This variant has not been reported in the literature in individuals affected with PAX6-related conditions. This variant is not present in population databases (gnomAD no frequency). This sequence change replaces threonine, which is neutral and polar, with alanine, which is neutral and non-polar, at codon 303 of the PAX6 protein (p.Thr303Ala).